The following is an entry in ClinVar:

NM_000421.5(KRT10):c.338G>A (p.Gly113Asp)

Genes: KRT10-AS1 (KRT10 antisense RNA 1; plus strand), KRT10 (keratin 10; minus strand). Cytogenetic location: 17q21.2.
Variant type: single nucleotide variant.
Coding change: c.338G>A on transcript NM_000421.5 (MANE Select); coding-DNA position 338, G replaced by A.
Protein change: p.Gly113Asp; replaces glycine 113 with aspartic acid.
Molecular consequence: missense variant.
Genome position (GRCh38, 1-based): chr17:40,822,248, C>T on the plus strand (G>A on the coding strand, the complement: KRT10 is on the minus strand). VCF-style: chr17-40822248-C-T. GRCh37 (hg19) VCF-style: chr17-38978500-C-T.
Other names: c.338G>A, p.Gly113Asp (NM_001379366.1); short protein forms G113D.
Identifiers: ClinVar variation 681454 (VCV000681454.1), dbSNP rs371456379, ClinGen allele CA8548314.

ClinVar aggregate classification (germline): Likely benign (1 of 4 stars; one submission).

Allele frequency attached by ClinVar (database versions not stated): ExAC 0.00004; gnomAD exomes 0.00004 and 0.00008; TOPMed 0.00008; gnomAD 0.00010; ESP Exome Variant Server 0.00015.
gnomAD v4.1: 134 of 1,605,424 alleles (0.0083%); highest among the groups gnomAD compares: Admixed American, 0.013%; no homozygotes.

Submission:

GeneDx
Classification: Likely benign. Last evaluated: 2018-04-12. Review status: criteria provided, single submitter. Criteria: GeneDx Variant Classification (06012015). Collection method: clinical testing. Allele origin: germline. Affected: yes.
Comment: This variant is considered likely benign or benign based on one or more of the following criteria: it is a conservative change, it occurs at a poorly conserved position in the protein, it is predicted to be benign by multiple in silico algorithms, and/or has population frequency not consistent with disease.